The following is an entry in ClinVar:

ClinVar aggregate classification (germline): Uncertain significance (1 of 4 stars; one submission).

Conditions:
POLD1-related polyposis and colorectal cancer syndrome (CRCS10). Also called: Colorectal cancer 10; COLORECTAL CANCER, SUSCEPTIBILITY TO, ON CHROMOSOME 19q; Colorectal cancer, susceptibility to, 10. Identifiers: Orphanet 220460, MedGen C2675481, MONDO:0012953, OMIM 612591.

Submission:

Labcorp Genetics (formerly Invitae), Labcorp
Classification: Uncertain significance for POLD1-related polyposis and colorectal cancer syndrome. Last evaluated: 2021-07-18. Review status: criteria provided, single submitter. Criteria: Invitae Variant Classification Sherloc (09022015). Collection method: clinical testing. Allele origin: germline.
Comment: This sequence change creates a premature translational stop signal (p.Cys617Leufs*17) in the POLD1 gene. Missense variants that disrupt the 3'-5' exonuclease (proof-reading) activity of the POLD1 protein are associated with an increased risk for colonic adenomatous polyps and colon cancer (PMID: 23263490, 23447401). However, loss-of-function variants that result in an absent or severely disrupted POLD1 protein, and missense variants outside the exonuclease domain, are unlikely to be associated with polyposis or colon cancer. This variant is not present in population databases (ExAC no frequency). This variant has not been reported in the literature in individuals affected with POLD1-related conditions. In summary, the available evidence is currently insufficient to determine the role of this variant in disease. Therefore, it has been classified as a Variant of Uncertain Significance.

Literature cited by the submitters: PubMed 23263490; PubMed 23447401.

NM_002691.4(POLD1):c.1850_1851del (p.Cys617fs)

Gene: POLD1 (DNA polymerase delta 1, catalytic subunit; plus strand). Cytogenetic location: 19q13.33.
Variant type: Microsatellite.
Coding change: c.1850_1851del on transcript NM_002691.4 (MANE Select); coding-DNA positions 1850 to 1851, 2 bases deleted (GT; older notation c.1850_1851delGT).
Protein change: p.Cys617fs; shifts the reading frame from cysteine 617.
Molecular consequence: frameshift variant. On other transcripts: non-coding transcript variant (1).
Genome position (GRCh38, 1-based): chr19:50,408,859-50,408,860, GT deleted; deleting any 2 consecutive bases within chr19:50,408,856-50,408,860 gives the same sequence; the c. name uses the placement nearest the transcript's 3' end. VCF-style (leftmost placement, unchanged base first): chr19-50408855-CTG-C. GRCh37 (hg19) VCF-style: chr19-50912112-CTG-C.
Other names: c.1850_1851del, p.Cys617fs (NM_001256849.1); c.1928_1929del, p.Cys643fs (NM_001308632.1); short protein forms C617fs, C643fs.
Identifiers: ClinVar variation 1496321 (VCV001496321.6), dbSNP rs1263838094, ClinGen allele CA633897380.